The following is an entry in ClinVar:

NM_024596.5(MCPH1):c.145C>G (p.His49Asp)

Gene: MCPH1 (microcephalin 1; plus strand). Cytogenetic location: 8p23.1.
Variant type: single nucleotide variant.
Coding change: c.145C>G on transcript NM_024596.5 (MANE Select); coding-DNA position 145, C replaced by G.
Protein change: p.His49Asp; replaces histidine 49 with aspartic acid.
Molecular consequence: missense variant. On other transcripts: non-coding transcript variant (1).
Genome position (GRCh38, 1-based): chr8:6,414,795, C>G. VCF-style: chr8-6414795-C-G. GRCh37 (hg19) VCF-style: chr8-6272316-C-G.
Other names: c.145C>G, p.His49Asp (NM_001172574.2, NM_001172575.2, NM_001322042.2 and 2 more transcripts); c.139C>G, p.His47Asp (NM_001322043.2); c.43C>G, p.His15Asp (NM_001322045.2); short protein forms H49D, H15D, H47D.
Identifiers: ClinVar variation 373585 (VCV000373585.1), dbSNP rs372088330, ClinGen allele CA4610085.

ClinVar aggregate classification (germline): Uncertain significance (1 of 4 stars; one submission).

Allele frequency attached by ClinVar (database versions not stated): gnomAD exomes 0.00001; ExAC 0.00001; gnomAD 0.00001; TOPMed 0.00001; ESP Exome Variant Server 0.00008.
gnomAD v4.1: 6 of 1,613,650 alleles (0.00037%); highest among the groups gnomAD compares: Non-Finnish European, 0.00051%; no homozygotes.

Submission:

GeneDx
Classification: Uncertain significance. Last evaluated: 2016-11-29. Review status: criteria provided, single submitter. Criteria: GeneDx Variant Classification (06012015). Collection method: clinical testing. Allele origin: germline. Affected: yes.
Comment: A variant of uncertain significance has been identified in the MCPH1 gene. The H49D variant has not been published as a pathogenic variant, nor has it been reported as a benign variant to our knowledge. The H49D variant was not observed with any significant frequency in approximately 5,900 individuals of European and African American ancestry in the NHLBI Exome Sequencing Project. The H49D variant is a non-conservative amino acid substitution, which is likely to impact secondary protein structure as these residues differ in polarity, charge, size and/or other properties. This substitution occurs at a position that is conserved across species and in silico analysis predicts this variant is probably damaging to the protein structure/function. However, missense variants in nearby residues have not been reported in the Human Gene Mutation Database in association with MCPH1-related disorders (Stenson et al., 2014). Therefore, based on the currently available information, it is unclear whether this variant is a pathogenic variant or a rare benign variant.